The following is an entry in ClinVar:

NM_054012.4(ASS1):c.553C>T (p.Leu185Phe)

Gene: ASS1 (argininosuccinate synthase 1; plus strand). Cytogenetic location: 9q34.11.
Variant type: single nucleotide variant.
Coding change: c.553C>T on transcript NM_054012.4 (MANE Select); coding-DNA position 553, C replaced by T.
Protein change: p.Leu185Phe; replaces leucine 185 with phenylalanine.
Molecular consequence: missense variant.
Genome position (GRCh38, 1-based): chr9:130,470,891, C>T. VCF-style: chr9-130470891-C-T. GRCh37 (hg19) VCF-style: chr9-133346278-C-T.
Other names: c.553C>T, p.Leu185Phe (NM_000050.4); short protein forms L185F.
Identifiers: ClinVar variation 3256953 (VCV003256953.1).
Genomic context (GRCh38, chr9:130,470,891, plus strand): 5'-CAGCAACACGGGATTCCCATCCCGGTCACTCCCAAGAACCCGTGGAGCATGGATGAGAAC[C>T]TCATGCACATCAGGTAAATCCCACCCTCCACCCATCCTTGGTCCTCCCGGGCTCATTCCA-3'
Protein context (NP_446464.1, residues 175-195): PKNPWSMDEN[Leu185Phe]MHISYEAGIL

ClinVar aggregate classification (germline): Likely pathogenic (1 of 4 stars; one submission).

Conditions:
Citrullinemia type I (CTNL1). Also called: argininosuccinate synthetase deficiency; ASS DEFICIENCY. Identifiers: Orphanet 247525, MedGen C4721769, MONDO:0008988, OMIM 215700.

Submission:

Centre for Inherited Metabolic Diseases, Karolinska University Hospital
Classification: Likely pathogenic for Citrullinemia type I. Last evaluated: 2024-07-23. Review status: criteria provided, single submitter. Criteria: ACMG Guidelines, 2015. Collection method: clinical testing. Allele origin: inherited. Inheritance: Autosomal recessive inheritance. Affected: yes. Observed: 1 compound heterozygote.
Comment: The variant was observed in trans with a pathogenic variant (PM3). The clinical test in combination with phenotye allows for use of PP4 - strong (based on Biesecker et al. 2024 ClinGen guidance for use of the PP1/BS4 co-segregation and PP4 phenotype specificity criteria, PMID: 38103548). The variant is rare in the healthy population (PM2-supporting).